The following is an entry in ClinVar:

ClinVar aggregate classification (germline): Pathogenic (1 of 4 stars; one submission).

Conditions:
Hereditary cancer-predisposing syndrome. Also called: Tumor predisposition; Hereditary neoplastic syndrome; Hereditary Cancer Syndrome; Neoplastic Syndromes, Hereditary. Identifiers: Orphanet 140162, MedGen C0027672, MeSH D009386, MONDO:0015356.

Submission:

Ambry Genetics
Classification: Pathogenic for Hereditary cancer-predisposing syndrome. Last evaluated: 2025-05-13. Review status: criteria provided, single submitter. Criteria: Ambry Variant Classification Scheme 2023. Collection method: clinical testing. Allele origin: germline.
Comment: The c.829delG pathogenic mutation, located in coding exon 6 of the POT1 gene, results from a deletion of one nucleotide at nucleotide position 829, causing a translational frameshift with a predicted alternate stop codon (p.V277Sfs*12). This variant is considered to be rare based on population cohorts in the Genome Aggregation Database (gnomAD). This alteration is expected to result in loss of function by premature protein truncation or nonsense-mediated mRNA decay. As such, this alteration is interpreted as a disease-causing mutation.

NM_015450.3(POT1):c.829del (p.Val277fs)

Gene: POT1 (protection of telomeres 1; minus strand). Cytogenetic location: 7q31.33.
Variant type: Deletion.
Coding change: c.829del on transcript NM_015450.3 (MANE Select); coding-DNA position 829, one base deleted (G; older notation c.829delG).
Protein change: p.Val277fs; shifts the reading frame from valine 277.
Molecular consequence: frameshift variant. On other transcripts: non-coding transcript variant (3).
Genome position (GRCh38, 1-based): chr7:124,853,012, C deleted on the plus strand (G on the coding strand, the reverse complement: POT1 is on the minus strand); the first of 3 consecutive C bases (chr7:124,853,012-124,853,014); deleting any one gives the same sequence. VCF-style (leftmost placement, unchanged base first): chr7-124853011-AC-A. GRCh37 (hg19) VCF-style: chr7-124493065-AC-A.
Other names: c.436del, p.Val146fs (NM_001042594.2); short protein forms V277fs, V146fs.
Identifiers: ClinVar variation 3936288 (VCV003936288.1).